The following is an entry in ClinVar:

NM_001014.5(RPS10):c.398C>T (p.Pro133Leu)

Genes: RPS10 (ribosomal protein S10; minus strand), RPS10-NUDT3 (RPS10-NUDT3 readthrough; minus strand). Cytogenetic location: 6p21.31.
Variant type: single nucleotide variant.
Coding change: c.398C>T on transcript NM_001014.5 (MANE Select); coding-DNA position 398, C replaced by T.
Protein change: p.Pro133Leu; replaces proline 133 with leucine.
Molecular consequence: missense variant.
Genome position (GRCh38, 1-based): chr6:34,421,732, G>A on the plus strand (C>T on the coding strand, the complement: RPS10 is on the minus strand). VCF-style: chr6-34421732-G-A. GRCh37 (hg19) VCF-style: chr6-34389509-G-A.
Other names: c.398C>T, p.Pro133Leu (NM_001202470.3, NM_001203245.3, NM_001204091.2); short protein forms P133L.
Identifiers: ClinVar variation 3627694 (VCV003627694.2).

ClinVar aggregate classification (germline): Uncertain significance (1 of 4 stars; one submission).

Conditions:
Diamond-Blackfan anemia. Also called: Blackfan Diamond syndrome; Aregenerative anemia chronic congenital; Red cell aplasia, pure hereditary; Congenital hypoplastic anemia; Aase syndrome. Identifiers: Orphanet 124, MedGen C1260899, MeSH D029503, MONDO:0015253, HP:0004810.

Submission:

Labcorp Genetics (formerly Invitae), Labcorp
Classification: Uncertain significance for Diamond-Blackfan anemia. Last evaluated: 2024-02-17. Review status: criteria provided, single submitter. Criteria: Invitae Variant Classification Sherloc (09022015). Collection method: clinical testing. Allele origin: germline.
Comment: This sequence change replaces proline, which is neutral and non-polar, with leucine, which is neutral and non-polar, at codon 133 of the RPS10 protein (p.Pro133Leu). This variant is not present in population databases (gnomAD no frequency). This variant has not been reported in the literature in individuals affected with RPS10-related conditions. An algorithm developed to predict the effect of missense changes on protein structure and function (PolyPhen-2) suggests that this variant is likely to be tolerated. In summary, the available evidence is currently insufficient to determine the role of this variant in disease. Therefore, it has been classified as a Variant of Uncertain Significance.